The following is an entry in ClinVar:

ClinVar aggregate classification (germline): Uncertain significance. Review status: criteria provided, multiple submitters, no conflicts (2 of 4 stars). 2 submissions from 2 submitters: Uncertain significance (2). Last evaluated 2024-11-11.

Conditions:
Hereditary cancer-predisposing syndrome. Also called: Neoplastic Syndromes, Hereditary; Tumor predisposition; Hereditary neoplastic syndrome; Hereditary Cancer Syndrome. Identifiers: Orphanet 140162, MedGen C0027672, MeSH D009386, MONDO:0015356.
Renal cell carcinoma. Identifiers: Orphanet 217071, MedGen C0007134, MeSH D002292, MONDO:0005086, HP:0005584.

Submissions (2):

Labcorp Genetics (formerly Invitae), Labcorp
Classification: Uncertain significance for Renal cell carcinoma. Last evaluated: 2024-11-11. Review status: criteria provided, single submitter. Criteria: Invitae Variant Classification Sherloc (09022015). Collection method: clinical testing. Allele origin: germline.
Comment: This sequence change replaces phenylalanine, which is neutral and non-polar, with serine, which is neutral and polar, at codon 1107 of the MET protein (p.Phe1107Ser). This variant is not present in population databases (gnomAD no frequency). This variant has not been reported in the literature in individuals affected with MET-related conditions. ClinVar contains an entry for this variant (Variation ID: 3232977). Invitae Evidence Modeling of protein sequence and biophysical properties (such as structural, functional, and spatial information, amino acid conservation, physicochemical variation, residue mobility, and thermodynamic stability) indicates that this missense variant is expected to disrupt MET protein function with a positive predictive value of 80%. In summary, the available evidence is currently insufficient to determine the role of this variant in disease. Therefore, it has been classified as a Variant of Uncertain Significance.

Ambry Genetics
Classification: Uncertain significance for Hereditary cancer-predisposing syndrome. Last evaluated: 2024-02-21. Review status: criteria provided, single submitter. Criteria: Ambry Variant Classification Scheme 2023. Collection method: clinical testing. Allele origin: germline.
Comment: The p.F1107S variant (also known as c.3320T>C), located in coding exon 15 of the MET gene, results from a T to C substitution at nucleotide position 3320. The phenylalanine at codon 1107 is replaced by serine, an amino acid with highly dissimilar properties. This amino acid position is highly conserved in available vertebrate species. In addition, this alteration is predicted to be deleterious by in silico analysis. Based on the available evidence, the clinical significance of this alteration remains unclear.

NM_000245.4(MET):c.3266T>C (p.Phe1089Ser)

Gene: MET (MET proto-oncogene, receptor tyrosine kinase; plus strand). Cytogenetic location: 7q31.2.
Variant type: single nucleotide variant.
Coding change: c.3266T>C on transcript NM_000245.4 (MANE Select); coding-DNA position 3266, T replaced by C.
Protein change: p.Phe1089Ser; replaces phenylalanine 1089 with serine.
Molecular consequence: missense variant.
Genome position (GRCh38, 1-based): chr7:116,777,395, T>C. VCF-style: chr7-116777395-T-C. GRCh37 (hg19) VCF-style: chr7-116417449-T-C.
Other names: c.3320T>C, p.Phe1107Ser (NM_001127500.3); c.1976T>C, p.Phe659Ser (NM_001324402.2); short protein forms F1089S, F1107S, F659S.
Identifiers: ClinVar variation 3232977 (VCV003232977.2), dbSNP rs2485815840, ClinGen allele CA368989538.